The following is an entry in ClinVar:

ClinVar aggregate classification (germline): Uncertain significance. Review status: criteria provided, multiple submitters, no conflicts (2 of 4 stars). 2 submissions from 2 submitters: Uncertain significance (2). Last evaluated 2024-12-09.

Conditions:
Hereditary spastic paraplegia 48. Also called: SPASTIC PARAPLEGIA 48, AUTOSOMAL RECESSIVE; Spastic paraplegia 48. Identifiers: Orphanet 306511, MedGen C3150901, MONDO:0013342, OMIM 613647.
Inborn genetic diseases. Identifiers: MedGen C0950123, MeSH D030342.

Allele frequency attached by ClinVar (database versions not stated): gnomAD 0.00004; TOPMed 0.00005; ExAC 0.00008.
gnomAD v4.1: 59 of 1,612,004 alleles (0.0037%); highest among the groups gnomAD compares: East Asian, 0.033%; no homozygotes.

Submissions (2):

Labcorp Genetics (formerly Invitae), Labcorp
Classification: Uncertain significance for Hereditary spastic paraplegia 48. Last evaluated: 2024-12-09. Review status: criteria provided, single submitter. Criteria: Invitae Variant Classification Sherloc (09022015). Collection method: clinical testing. Allele origin: germline.
Comment: This sequence change replaces arginine, which is basic and polar, with cysteine, which is neutral and slightly polar, at codon 285 of the AP5Z1 protein (p.Arg285Cys). This variant is present in population databases (rs756733130, gnomAD 0.05%). This variant has not been reported in the literature in individuals affected with AP5Z1-related conditions. ClinVar contains an entry for this variant (Variation ID: 2071983). Invitae Evidence Modeling of protein sequence and biophysical properties (such as structural, functional, and spatial information, amino acid conservation, physicochemical variation, residue mobility, and thermodynamic stability) indicates that this missense variant is not expected to disrupt AP5Z1 protein function with a negative predictive value of 80%. In summary, the available evidence is currently insufficient to determine the role of this variant in disease. Therefore, it has been classified as a Variant of Uncertain Significance.

Ambry Genetics
Classification: Uncertain significance for Inborn genetic diseases. Last evaluated: 2024-05-13. Review status: criteria provided, single submitter. Criteria: Ambry Variant Classification Scheme 2023. Collection method: clinical testing. Allele origin: germline.

NM_014855.3(AP5Z1):c.853C>T (p.Arg285Cys)

Gene: AP5Z1 (adaptor related protein complex 5 subunit zeta 1; plus strand). Cytogenetic location: 7p22.1.
Variant type: single nucleotide variant.
Coding change: c.853C>T on transcript NM_014855.3 (MANE Select); coding-DNA position 853, C replaced by T.
Protein change: p.Arg285Cys; replaces arginine 285 with cysteine.
Molecular consequence: missense variant. On other transcripts: non-coding transcript variant (1).
Genome position (GRCh38, 1-based): chr7:4,784,970, C>T. VCF-style: chr7-4784970-C-T. GRCh37 (hg19) VCF-style: chr7-4824601-C-T.
Other names: c.385C>T, p.Arg129Cys (NM_001364858.1); short protein forms R129C, R285C.
Identifiers: ClinVar variation 2071983 (VCV002071983.4), dbSNP rs756733130, ClinGen allele CA4137424.